The following is an entry in ClinVar:

ClinVar aggregate classification (germline): Uncertain significance (0 of 4 stars; one submission).

Conditions:
LTBP3-related disorder. Also called: LTBP3-related condition.

gnomAD v4.1: 2 of 1,574,680 alleles (0.00013%); highest among the groups gnomAD compares: Non-Finnish European, 0.00017%; no homozygotes.

Submission:

PreventionGenetics, part of Exact Sciences
Classification: Uncertain significance for LTBP3-related condition. Last evaluated: 2024-05-15. Review status: no assertion criteria provided. Collection method: clinical testing. Allele origin: germline.
Comment: The LTBP3 c.863C>G variant is predicted to result in the amino acid substitution p.Pro288Arg. To our knowledge, this variant has not been reported in the literature or in a large population database, indicating this variant is rare. At this time, the clinical significance of this variant is uncertain due to the absence of conclusive functional and genetic evidence.

NM_001130144.3(LTBP3):c.863C>G (p.Pro288Arg)

Gene: LTBP3 (latent transforming growth factor beta binding protein 3; minus strand). Cytogenetic location: 11q13.1.
Variant type: single nucleotide variant.
Coding change: c.863C>G on transcript NM_001130144.3 (MANE Select); coding-DNA position 863, C replaced by G.
Protein change: p.Pro288Arg; replaces proline 288 with arginine.
Molecular consequence: missense variant.
Genome position (GRCh38, 1-based): chr11:65,553,702, G>C on the plus strand (C>G on the coding strand, the complement: LTBP3 is on the minus strand). VCF-style: chr11-65553702-G-C. GRCh37 (hg19) VCF-style: chr11-65321173-G-C.
Other names: c.512C>G, p.Pro171Arg (NM_001164266.1); c.863C>G, p.Pro288Arg (NM_021070.4); short protein forms P171R, P288R.
Identifiers: ClinVar variation 3344354 (VCV003344354.1).